The following is an entry in ClinVar:

ClinVar aggregate classification (germline): Likely pathogenic (1 of 4 stars; one submission).

Conditions:
DeSanto-Shinawi syndrome due to WAC point mutation (DESSH). Also called: WAC-Related Intellectual Disability; DEVELOPMENTAL DELAY, BEHAVIORAL ABNORMALITIES, FACIAL DYSMORPHISM, AND OCULAR ABNORMALITIES; Facial dysmorphism-developmental delay-behavioral abnormalities syndrome due to WAC point mutation. Identifiers: Orphanet 284169, Orphanet 466950, MedGen C5681129, MONDO:0014741, OMIM 616708.

Submission:

Laboratorio de Genetica e Diagnostico Molecular, Hospital Israelita Albert Einstein
Classification: Likely pathogenic for DeSanto-Shinawi syndrome due to WAC point mutation. Last evaluated: 2025-03-28. Review status: criteria provided, single submitter. Criteria: ACMG Guidelines, 2015. Collection method: clinical testing. Allele origin: germline. Affected: yes.
Comment: ACMG classification criteria: PVS1 very strong, PM2 supporting

NM_016628.5(WAC):c.1349_1350del (p.Tyr450fs)

Gene: WAC (WW domain containing adaptor with coiled-coil; plus strand). Cytogenetic location: 10p12.1.
Variant type: Microsatellite.
Coding change: c.1349_1350del on transcript NM_016628.5 (MANE Select); coding-DNA positions 1349 to 1350, 2 bases deleted (AT; older notation c.1349_1350delAT).
Protein change: p.Tyr450fs; shifts the reading frame from tyrosine 450.
Molecular consequence: frameshift variant.
Genome position (GRCh38, 1-based): chr10:28,611,834-28,611,835, AT deleted; deleting any 2 consecutive bases within chr10:28,611,832-28,611,835 gives the same sequence; the c. name uses the placement nearest the transcript's 3' end. VCF-style (leftmost placement, unchanged base first): chr10-28611831-CAT-C. GRCh37 (hg19) VCF-style: chr10-28900760-CAT-C.
Other names: c.1214_1215del, p.Tyr405fs (NM_100264.3); c.1040_1041del, p.Tyr347fs (NM_100486.4); short protein forms Y347fs, Y405fs, Y450fs.
Identifiers: ClinVar variation 4076305 (VCV004076305.1).
Genomic context (GRCh38, chr10:28,611,831, plus strand): 5'-CAGCCCAGCCATCTAATCAGTCTCCGATGTCTTTAACATCTGATGCGTCATCCCCAAGAT[CAT>C]ATGTTTCTCCAAGAATAAGCACACCTCAAACTAACACAGTCCCTATCAAACCTTTGATCA-3'